The following is an entry in ClinVar:

ClinVar aggregate classification (germline): Benign (1 of 4 stars; one submission).

Allele frequency attached by ClinVar (database versions not stated): gnomAD 0.64227 and 0.65304; TOPMed 0.64490; 1000 Genomes Project 30x 0.71596; 1000 Genomes Project 0.72284.
gnomAD v4.1: 99,232 of 151,980 alleles (65%); highest among the groups gnomAD compares: East Asian, 96%; 32,910 homozygotes.

Submission:

GeneDx
Classification: Benign. Last evaluated: 2018-06-15. Review status: criteria provided, single submitter. Criteria: GeneDx Variant Classification (06012015). Collection method: clinical testing. Allele origin: germline. Affected: yes.
Comment: This variant is considered likely benign or benign based on one or more of the following criteria: it is a conservative change, it occurs at a poorly conserved position in the protein, it is predicted to be benign by multiple in silico algorithms, and/or has population frequency not consistent with disease.

NM_001035.3(RYR2):c.11403-211T>C

Gene: RYR2 (ryanodine receptor 2; plus strand). Cytogenetic location: 1q43.
Variant type: single nucleotide variant.
Coding change: c.11403-211T>C on transcript NM_001035.3 (MANE Select); 211 bases into the intron before coding-DNA position 11403, T replaced by C.
Molecular consequence: intron variant.
Genome position (GRCh38, 1-based): chr1:237,760,744, T>C. VCF-style: chr1-237760744-T-C. GRCh37 (hg19) VCF-style: chr1-237924044-T-C.
Identifiers: ClinVar variation 672103 (VCV000672103.1), dbSNP rs2819762, ClinGen allele CA10994229.
Genomic context (GRCh38, chr1:237,760,744, plus strand): 5'-CTGCTGGCTTTGTAATGTACTCCCCATGTTGAAACCTAAGAATGCTTTCATGTTTGACTT[T>C]CACATGGATCATTTCAGTGTAGGCCCAGGGGAGACACTAGTCTGCCACTAAGAAAATACG-3'